The following is an entry in ClinVar:

NM_005956.4(MTHFD1):c.830C>G (p.Pro277Arg)

Gene: MTHFD1 (methylenetetrahydrofolate dehydrogenase, cyclohydrolase and formyltetrahydrofolate synthetase 1; plus strand). Cytogenetic location: 14q23.3.
Variant type: single nucleotide variant.
Coding change: c.830C>G on transcript NM_005956.4 (MANE Select); coding-DNA position 830, C replaced by G.
Protein change: p.Pro277Arg; replaces proline 277 with arginine.
Molecular consequence: missense variant.
Genome position (GRCh38, 1-based): chr14:64,424,906, C>G. VCF-style: chr14-64424906-C-G. GRCh37 (hg19) VCF-style: chr14-64891624-C-G.
Other names: c.830C>G, p.Pro277Arg (NM_001364837.1); short protein forms P277R.
Identifiers: ClinVar variation 2124328 (VCV002124328.1), dbSNP rs2550500774, ClinGen allele CA389984007.

ClinVar aggregate classification (germline): Uncertain significance (1 of 4 stars; one submission).

Allele frequency attached by ClinVar (database versions not stated): gnomAD exomes below 0.00001.
gnomAD v4.1: 1 of 1,614,158 alleles (0.000062%); highest among the groups gnomAD compares: Admixed American, 0.0017%; no homozygotes.

Submission:

Labcorp Genetics (formerly Invitae), Labcorp
Classification: Uncertain significance. Last evaluated: 2022-08-19. Review status: criteria provided, single submitter. Criteria: Invitae Variant Classification Sherloc (09022015). Collection method: clinical testing. Allele origin: germline.
Comment: This sequence change replaces proline, which is neutral and non-polar, with arginine, which is basic and polar, at codon 277 of the MTHFD1 protein (p.Pro277Arg). This variant is not present in population databases (gnomAD no frequency). This variant has not been reported in the literature in individuals affected with MTHFD1-related conditions. Algorithms developed to predict the effect of missense changes on protein structure and function (SIFT, PolyPhen-2, Align-GVGD) all suggest that this variant is likely to be disruptive. In summary, the available evidence is currently insufficient to determine the role of this variant in disease. Therefore, it has been classified as a Variant of Uncertain Significance.